The following is an entry in ClinVar:

NM_000448.3(RAG1):c.940C>T (p.Arg314Trp)

Gene: RAG1 (recombination activating 1; plus strand). Cytogenetic location: 11p12.
Variant type: single nucleotide variant.
Coding change: c.940C>T on transcript NM_000448.3 (MANE Select); coding-DNA position 940, C replaced by T.
Protein change: p.Arg314Trp; replaces arginine 314 with tryptophan.
Molecular consequence: missense variant.
Genome position (GRCh38, 1-based): chr11:36,574,244, C>T. VCF-style: chr11-36574244-C-T. GRCh37 (hg19) VCF-style: chr11-36595794-C-T.
Other names: c.940C>T, p.Arg314Trp (NM_001377277.1, NM_001377278.1, NM_001377279.1 and 1 more transcripts); short protein forms R314W.
Identifiers: ClinVar variation 13156 (VCV000013156.6), dbSNP rs121918568, ClinGen allele CA122913.
Genomic context (GRCh38, chr11:36,574,244, plus strand): 5'-CAGATCTGTGAACACATTCTGGCTGACCCTGTGGAGACCAACTGTAAGCATGTCTTTTGC[C>T]GGGTCTGCATTCTCAGATGCCTCAAAGTCATGGGCAGCTATTGTCCCTCTTGCCGATATC-3'
Protein context (NP_000439.2, residues 304-324): VETNCKHVFC[Arg314Trp]VCILRCLKVM

ClinVar aggregate classification (germline): Conflicting classifications of pathogenicity. Review status: criteria provided, conflicting classifications (1 of 4 stars). 4 submissions from 4 submitters: Pathogenic (1); Likely pathogenic (1); Uncertain significance (1). 1 of the submissions does not count toward it. Last evaluated 2025-06-05.

Conditions:
Severe combined immunodeficiency, autosomal recessive, T cell-negative, B cell-negative, NK cell-positive. Also called: SCID, AR, T-cell negative, B-cell negative, NK cell-positive; Severe combined immunodeficiency due to complete RAG1/2 deficiency; SCID, T CELL-NEGATIVE, B CELL-NEGATIVE, NK CELL-POSITIVE. Identifiers: Orphanet 331206, MedGen C1832322, MONDO:0011086, OMIM 601457.
Combined immunodeficiency with skin granulomas. Identifiers: Orphanet 157949, MedGen C2673536, MONDO:0009306, OMIM 233650.
Combined immunodeficiency due to partial RAG1 deficiency. Identifiers: Orphanet 231154, MedGen C1835931, MONDO:0012359, OMIM 609889.

Allele frequency attached by ClinVar (database versions not stated): gnomAD exomes below 0.00001; TOPMed below 0.00001.

Submissions (4):

Labcorp Genetics (formerly Invitae), Labcorp
Classification: Likely pathogenic for Combined immunodeficiency with skin granulomas; Severe combined immunodeficiency, autosomal recessive, T cell-negative, B cell-negative, NK cell-positive. Last evaluated: 2025-06-05. Review status: criteria provided, single submitter. Criteria: Invitae Variant Classification Sherloc (09022015). Collection method: clinical testing. Allele origin: germline.
Comment: This sequence change replaces arginine, which is basic and polar, with tryptophan, which is neutral and slightly polar, at codon 314 of the RAG1 protein (p.Arg314Trp). This variant is not present in population databases (gnomAD no frequency). This missense change has been observed in individual(s) with atypical severe combined immunodeficiency and/or combined immunodeficiency (PMID: 18463379, 32445296). In at least one individual the data is consistent with being in trans (on the opposite chromosome) from a pathogenic variant. ClinVar contains an entry for this variant (Variation ID: 13156). Invitae Evidence Modeling of protein sequence and biophysical properties (such as structural, functional, and spatial information, amino acid conservation, physicochemical variation, residue mobility, and thermodynamic stability) indicates that this missense variant is not expected to disrupt RAG1 protein function with a negative predictive value of 80%. Experimental studies have shown that this missense change affects RAG1 function (PMID: 18463379, 24290284). In summary, the currently available evidence indicates that the variant is pathogenic, but additional data are needed to prove that conclusively. Therefore, this variant has been classified as Likely Pathogenic.

Baylor Genetics
Classification: Pathogenic for Combined immunodeficiency due to partial RAG1 deficiency. Last evaluated: 2022-06-22. Review status: criteria provided, single submitter. Criteria: ACMG Guidelines, 2015. Collection method: clinical testing. Allele origin: unknown.

Blueprint Genetics
Classification: Uncertain significance. Last evaluated: 2019-06-27. Review status: criteria provided, single submitter. Criteria: ACMG Guidelines, 2015. Collection method: clinical testing. Allele origin: germline.

OMIM
Classification: Pathogenic for COMBINED CELLULAR AND HUMORAL IMMUNE DEFECTS WITH GRANULOMAS. Last evaluated: 2008-05-08. Review status: no assertion criteria provided. Collection method: literature only. Allele origin: germline. Not counted in ClinVar's aggregate classification.

Literature cited by the submitters: PubMed 18463379 (cited by Labcorp Genetics (formerly Invitae), Labcorp and OMIM); PubMed 32445296 (cited by Labcorp Genetics (formerly Invitae), Labcorp); PubMed 24290284 (cited by Labcorp Genetics (formerly Invitae), Labcorp).